The following is an entry in ClinVar:

ClinVar aggregate classification (germline): Uncertain significance (1 of 4 stars; one submission).

gnomAD v4.1: 3 of 1,613,916 alleles (0.00019%); highest among the groups gnomAD compares: Non-Finnish European, 0.00025%; no homozygotes.

Submission:

Labcorp Genetics (formerly Invitae), Labcorp
Classification: Uncertain significance. Last evaluated: 2021-08-23. Review status: criteria provided, single submitter. Criteria: Invitae Variant Classification Sherloc (09022015). Collection method: clinical testing. Allele origin: germline.
Comment: This sequence change replaces leucine with isoleucine at codon 590 of the FMN1 protein (p.Leu590Ile). The leucine residue is weakly conserved and there is a small physicochemical difference between leucine and isoleucine. This variant is not present in population databases (ExAC no frequency). This variant has not been reported in the literature in individuals affected with FMN1-related conditions. Algorithms developed to predict the effect of missense changes on protein structure and function are either unavailable or do not agree on the potential impact of this missense change (SIFT: "Tolerated"; PolyPhen-2: "Not Available"; Align-GVGD: "Class C0"). In summary, the available evidence is currently insufficient to determine the role of this variant in disease. Therefore, it has been classified as a Variant of Uncertain Significance.

NM_001277313.2(FMN1):c.2437C>A (p.Leu813Ile)

Gene: FMN1 (formin 1; minus strand). Cytogenetic location: 15q13.3.
Variant type: single nucleotide variant.
Coding change: c.2437C>A on transcript NM_001277313.2 (MANE Select); coding-DNA position 2437, C replaced by A.
Protein change: p.Leu813Ile; replaces leucine 813 with isoleucine.
Molecular consequence: missense variant.
Genome position (GRCh38, 1-based): chr15:32,969,264, G>T on the plus strand (C>A on the coding strand, the complement: FMN1 is on the minus strand). VCF-style: chr15-32969264-G-T. GRCh37 (hg19) VCF-style: chr15-33261465-G-T.
Other names: c.1768C>A, p.Leu590Ile (NM_001103184.4); short protein forms L813I, L590I.
Identifiers: ClinVar variation 1449185 (VCV001449185.6), dbSNP rs771163775, ClinGen allele CA391564358.